The following is an entry in ClinVar:

NM_000142.5(FGFR3):c.2360C>G (p.Ser787Cys)

Gene: FGFR3 (fibroblast growth factor receptor 3; plus strand). Cytogenetic location: 4p16.3.
Variant type: single nucleotide variant.
Coding change: c.2360C>G on transcript NM_000142.5 (MANE Select); coding-DNA position 2360, C replaced by G.
Protein change: p.Ser787Cys; replaces serine 787 with cysteine.
Molecular consequence: missense variant. On other transcripts: synonymous variant (1), non-coding transcript variant (1).
Genome position (GRCh38, 1-based): chr4:1,807,201, C>G. VCF-style: chr4-1807201-C-G. GRCh37 (hg19) VCF-style: chr4-1808928-C-G.
Other names: c.2366C>G, p.Ser789Cys (NM_001163213.2); c.2363C>G, p.Ser788Cys (NM_001354809.2); c.2292C>G, p.Leu764= (NM_001354810.2); c.2024C>G, p.Ser675Cys (NM_022965.4); short protein forms S675C, S787C, S788C, S789C.
Identifiers: ClinVar variation 1189914 (VCV001189914.2), dbSNP rs1174982652, ClinGen allele CA355987737.
Genomic context (GRCh38, chr4:1,807,201, plus strand): 5'-TCGAGCAGTACTCCCCGGGTGGCCAGGACACCCCCAGCTCCAGCTCCTCAGGGGACGACT[C>G]CGTGTTTGCCCACGACCTGCTGCCCCCGGCCCCACCCAGCAGTGGGGGCTCGCGGACGTG-3'
Protein context (NP_000133.1, residues 777-797): TPSSSSSGDD[Ser787Cys]VFAHDLLPPA

ClinVar aggregate classification (germline): Uncertain significance (1 of 4 stars; one submission).

Allele frequency attached by ClinVar (database versions not stated): gnomAD exomes below 0.00001; TOPMed below 0.00001; gnomAD 0.00001.
gnomAD v4.1: 5 of 1,608,184 alleles (0.00031%); highest among the groups gnomAD compares: African/African-American, 0.0013%; no homozygotes.

Submission:

GeneDx
Classification: Uncertain significance. Last evaluated: 2019-09-20. Review status: criteria provided, single submitter. Criteria: GeneDx Variant Classification Process June 2021. Collection method: clinical testing. Allele origin: germline. Affected: yes.
Comment: Not observed at a significant frequency in large population cohorts (Lek et al., 2016); In silico analysis, which includes protein predictors and evolutionary conservation, supports a deleterious effect; Has not been previously published as pathogenic or benign to our knowledge